The following is an entry in ClinVar:

NM_032638.5(GATA2):c.544T>A (p.Ser182Thr)

Gene: GATA2 (GATA binding protein 2; minus strand). Cytogenetic location: 3q21.3.
Variant type: single nucleotide variant.
Coding change: c.544T>A on transcript NM_032638.5 (MANE Select); coding-DNA position 544, T replaced by A.
Protein change: p.Ser182Thr; replaces serine 182 with threonine.
Molecular consequence: missense variant.
Genome position (GRCh38, 1-based): chr3:128,486,054, A>T on the plus strand (T>A on the coding strand, the complement: GATA2 is on the minus strand). VCF-style: chr3-128486054-A-T. GRCh37 (hg19) VCF-style: chr3-128204897-A-T.
Other names: c.544T>A, p.Ser182Thr (NM_001145661.2, NM_001145662.1); short protein forms S182T.
Identifiers: ClinVar variation 2949035 (VCV002949035.4), dbSNP rs1294359651, ClinGen allele CA354406550.

ClinVar aggregate classification (germline): Uncertain significance. Review status: criteria provided, multiple submitters, no conflicts (2 of 4 stars). 2 submissions from 2 submitters: Uncertain significance (2). Last evaluated 2026-07-07.

Conditions:
Deafness-lymphedema-leukemia syndrome. Also called: Emberger syndrome; Lymphedema, primary, with myelodysplasia. Identifiers: Orphanet 3226, MedGen C3279664, MONDO:0013540, OMIM 614038.
Monocytopenia with susceptibility to infections. Also called: MONOCYTOPENIA AND MYCOBACTERIAL INFECTION SYNDROME; MONOCYTOPENIA WITH SUSCEPTIBILITY TO MYCOBACTERIAL, FUNGAL, AND PAPILLOMAVIRUS INFECTIONS AND MYELODYSPLASIA; COMBINED IMMUNODEFICIENCY WITH SUSCEPTIBILITY TO MYCOBACTERIAL, VIRAL, AND FUNGAL INFECTIONS; Dendritic cell, monocyte, B lymphocyte, and natural killer lymphocyte deficiency; GATA2 DEFICIENCY; IMMUNODEFICIENCY 21. Identifiers: Orphanet 228423, MedGen C3280030, MONDO:0013607, OMIM 614172.
Inborn genetic diseases. Identifiers: MedGen C0950123, MeSH D030342.

Submissions (2):

Ambry Genetics
Classification: Uncertain significance for Inborn genetic diseases. Last evaluated: 2026-07-07. Review status: criteria provided, single submitter. Criteria: Ambry Variant Classification Scheme 2023. Collection method: clinical testing. Allele origin: germline.
Comment: The p.S182T variant (also known as c.544T>A), located in coding exon 2 of the GATA2 gene, results from a T to A substitution at nucleotide position 544. The serine at codon 182 is replaced by threonine, an amino acid with similar properties. This amino acid position is conserved. In addition, the in silico prediction for this alteration is inconclusive. Based on the available evidence, the clinical significance of this variant remains unclear.

Labcorp Genetics (formerly Invitae), Labcorp
Classification: Uncertain significance for Monocytopenia with susceptibility to infections; Deafness-lymphedema-leukemia syndrome. Last evaluated: 2023-06-20. Review status: criteria provided, single submitter. Criteria: Invitae Variant Classification Sherloc (09022015). Collection method: clinical testing. Allele origin: germline.
Comment: In summary, the available evidence is currently insufficient to determine the role of this variant in disease. Therefore, it has been classified as a Variant of Uncertain Significance. Advanced modeling of protein sequence and biophysical properties (such as structural, functional, and spatial information, amino acid conservation, physicochemical variation, residue mobility, and thermodynamic stability) performed at Invitae indicates that this missense variant is not expected to disrupt GATA2 protein function. This variant has not been reported in the literature in individuals affected with GATA2-related conditions. This variant is not present in population databases (gnomAD no frequency). This sequence change replaces serine, which is neutral and polar, with threonine, which is neutral and polar, at codon 182 of the GATA2 protein (p.Ser182Thr).